The following is an entry in ClinVar:

ClinVar aggregate classification (germline): Conflicting classifications of pathogenicity. Review status: criteria provided, conflicting classifications (1 of 4 stars). 2 submissions from 2 submitters: Uncertain significance (1); Likely benign (1). Last evaluated 2022-05-12.

Allele frequency attached by ClinVar (database versions not stated): gnomAD 0.00001; gnomAD exomes 0.00001; TOPMed 0.00001.
gnomAD v4.1: 10 of 1,499,930 alleles (0.00067%); highest among the groups gnomAD compares: Admixed American, 0.0021%; no homozygotes.

Submissions (2):

Labcorp Genetics (formerly Invitae), Labcorp
Classification: Likely benign. Last evaluated: 2022-05-12. Review status: criteria provided, single submitter. Criteria: Invitae Variant Classification Sherloc (09022015). Collection method: clinical testing. Allele origin: germline.

GeneDx
Classification: Uncertain significance. Last evaluated: 2017-10-03. Review status: criteria provided, single submitter. Criteria: GeneDx Variant Classification (06012015). Collection method: clinical testing. Allele origin: germline. Affected: yes.
Comment: The c.1053 C>T variant in the AP3B2 gene has not been reported previously as a pathogenic variant nor as a benign variant, to our knowledge. While c.1053 C>T (H351=) results in a synonymous amino acid substitution, splice algorithms predict this variant damages the canonical splice donor site in intron 8, resulting in abnormal gene splicing. However, the actual effect of the c.1053 C>T sequence change in vivo is unknown in the absence of RNA studies. The c.1053 C>T variant is not observed at a significant frequency in large population cohorts (Lek et al., 2016). We interpret c.1053 C>T as a variant of uncertain significance.

NM_001278512.2(AP3B2):c.1053C>T (p.His351=)

Genes: AP3B2 (adaptor related protein complex 3 subunit beta 2; minus strand), CPEB1-AS1 (CPEB1 antisense RNA 1; plus strand). Cytogenetic location: 15q25.2.
Variant type: single nucleotide variant.
Coding change: c.1053C>T on transcript NM_001278512.2 (MANE Select); coding-DNA position 1053, C replaced by T.
Protein change: p.His351=; no amino-acid change (histidine 351 retained).
Molecular consequence: synonymous variant.
Genome position (GRCh38, 1-based): chr15:82,680,474, G>A on the plus strand (C>T on the coding strand, the complement: AP3B2 is on the minus strand). VCF-style: chr15-82680474-G-A. GRCh37 (hg19) VCF-style: chr15-83349226-G-A.
Other names: c.957C>T, p.His319= (NM_001278511.2); c.1053C>T, p.His351= (NM_004644.5).
Identifiers: ClinVar variation 452430 (VCV000452430.7), dbSNP rs1177973989, ClinGen allele CA491794990.
Genomic context (GRCh38, chr15:82,680,474, plus strand): 5'-CAGCCCGTGGGGCGGGGCAGGAGGCGAGGGAGGGGGCGGGGCTGGGGGCGGAGCGCACCT[G>A]TGGCTGCGCAGCAGGCGCACCAGCGCCTTGGCGATGACGCCCACTTCCGCCTTGGGCGCC-3'
Protein context (NP_001265441.1, residues 341-361): AKALVRLLRS[His351=]SEVQYVVLQN